The following is an entry in ClinVar:

NM_004380.3(CREBBP):c.3500A>G (p.Tyr1167Cys)

Gene: CREBBP (CREB binding lysine acetyltransferase; minus strand). Cytogenetic location: 16p13.3.
Variant type: single nucleotide variant.
Coding change: c.3500A>G on transcript NM_004380.3 (MANE Select); coding-DNA position 3500, A replaced by G.
Protein change: p.Tyr1167Cys; replaces tyrosine 1167 with cysteine.
Molecular consequence: missense variant.
Genome position (GRCh38, 1-based): chr16:3,757,918, T>C on the plus strand (A>G on the coding strand, the complement: CREBBP is on the minus strand). VCF-style: chr16-3757918-T-C. GRCh37 (hg19) VCF-style: chr16-3807919-T-C.
Other names: c.3386A>G, p.Tyr1129Cys (NM_001079846.1); short protein forms Y1167C, Y1129C.
Identifiers: ClinVar variation 158357 (VCV000158357.18), dbSNP rs587783481, ClinGen allele CA271389.

ClinVar aggregate classification (germline): Conflicting classifications of pathogenicity. Review status: criteria provided, conflicting classifications (1 of 4 stars). 5 submissions from 5 submitters: Likely pathogenic (2); Uncertain significance (2). 1 of the submissions does not count toward it. Last evaluated 2026-02-20.

Conditions:
CREBBP-related disorder. Also called: CREBBP-related condition; CREBBP-related disorders.
Rubinstein-Taybi syndrome (RSTS). Identifiers: Orphanet 783, MedGen C0035934, MONDO:0019188.
Rubinstein-Taybi syndrome due to CREBBP mutations (RSTS1). Also called: BROAD THUMB-HALLUX SYNDROME; RUBINSTEIN-TAYBI SYNDROME 1, INCOMPLETE; BROAD THUMBS AND GREAT TOES, CHARACTERISTIC FACIES, AND IMPAIRED INTELLECTUAL DEVELOPMENT; Rubinstein-Taybi syndrome 1; CREBBP-Related Rubinstein-Taybi Syndrome; RUBINSTEIN SYNDROME. Identifiers: Orphanet 353277, Orphanet 783, MedGen C4551859, MONDO:0008393, OMIM 180849.

Submissions (5):

GeneDx
Classification: Uncertain significance. Last evaluated: 2026-02-20. Review status: criteria provided, single submitter. Criteria: GeneDx Variant Classification Process June 2021. Collection method: clinical testing. Allele origin: germline.
Comment: Observed in large aggregate dataset examining de novo variants in patients with various developmental disorders; the patient also harbored de novo variants in additional genes (PMID: 33057194); Not observed at significant frequency in large population cohorts (gnomAD); In silico analysis supports that this missense variant has a deleterious effect on protein structure/function; This variant is associated with the following publications: (PMID: 35982159, 33057194)

Victorian Clinical Genetics Services, Murdoch Childrens Research Institute
Classification: Likely pathogenic for Rubinstein-Taybi syndrome due to CREBBP mutations. Last evaluated: 2023-07-17. Review status: criteria provided, single submitter. Criteria: ACMG Guidelines, 2015. Collection method: clinical testing. Allele origin: germline. Inheritance: Autosomal dominant inheritance. Affected: yes.
Comment: Based on the classification scheme VCGS_Germline_v1.3.4, this variant is classified as Likely pathogenic. Following criteria are met: 0102 - Loss of function is a known mechanism of disease in this gene and is associated with Menke-Hennekam syndrome 1 (MIM#618332) and Rubinstein-Taybi syndrome 1 (MIM#180849). (I) 0107 - This gene is associated with autosomal dominant disease. (I) 0200 - Variant is predicted to result in a missense amino acid change from tyrosine to cysteine. (I) 0251 - This variant is heterozygous. (I) 0301 - Variant is absent from gnomAD (both v2 and v3). (SP) 0501 - Missense variant consistently predicted to be damaging by multiple in silico tools or highly conserved with a major amino acid change. (SP) 0600 - Variant is located in the annotated bromodomain (DECIPHER). (I) 0705 - No comparable missense variants have previous evidence for pathogenicity. (I) 0808 - Previous reports of pathogenicity for this variant are conflicting. This variant has been observed as de novo in two individuals with CREBBP-related conditions; however, it was classified as likely pathogenic in one and as a VUS in the other (DECIPHER). This variant has also been classified as likely pathogenic and as a VUS by clinical laboratories in ClinVar. (SP) 0905 - No published segregation evidence has been identified for this variant. (I) 1007 - No published functional evidence has been identified for this variant. (SP) Legend: (SP) - Supporting pathogenic, (I) - Information, (SB) - Supporting benign

Labcorp Genetics (formerly Invitae), Labcorp
Classification: Uncertain significance for Rubinstein-Taybi syndrome. Last evaluated: 2022-04-12. Review status: criteria provided, single submitter. Criteria: Invitae Variant Classification Sherloc (09022015). Collection method: clinical testing. Allele origin: germline.
Comment: This variant is not present in population databases (gnomAD no frequency). In summary, the available evidence is currently insufficient to determine the role of this variant in disease. Therefore, it has been classified as a Variant of Uncertain Significance. Advanced modeling of protein sequence and biophysical properties (such as structural, functional, and spatial information, amino acid conservation, physicochemical variation, residue mobility, and thermodynamic stability) performed at Invitae indicates that this missense variant is expected to disrupt CREBBP protein function. ClinVar contains an entry for this variant (Variation ID: 158357). This missense change has been observed in individual(s) with clinical features of CREBBP-related conditions (Invitae). This sequence change replaces tyrosine, which is neutral and polar, with cysteine, which is neutral and slightly polar, at codon 1167 of the CREBBP protein (p.Tyr1167Cys).

Genetic Services Laboratory, University of Chicago
Classification: Likely pathogenic for Rubinstein-Taybi syndrome. Last evaluated: 2013-02-08. Review status: criteria provided, single submitter. Criteria: ACMG Guidelines, 2007. Collection method: clinical testing. Allele origin: germline. Inheritance: Autosomal dominant inheritance. Affected: yes.

PreventionGenetics, part of Exact Sciences
Classification: Likely pathogenic for CREBBP-related condition. Last evaluated: 2023-12-11. Review status: no assertion criteria provided. Collection method: clinical testing. Allele origin: germline. Not counted in ClinVar's aggregate classification.
Comment: The CREBBP c.3500A>G variant is predicted to result in the amino acid substitution p.Tyr1167Cys. To our knowledge, this variant has not been reported in the literature or in a large population database, indicating this variant is rare. This variant is interpreted as likely pathogenic.